The following is an entry in ClinVar:

NM_000208.4(INSR):c.224A>G (p.Asp75Gly)

Gene: INSR (insulin receptor; minus strand). Cytogenetic location: 19p13.2.
Variant type: single nucleotide variant.
Coding change: c.224A>G on transcript NM_000208.4 (MANE Select); coding-DNA position 224, A replaced by G.
Protein change: p.Asp75Gly; replaces aspartic acid 75 with glycine.
Molecular consequence: missense variant.
Genome position (GRCh38, 1-based): chr19:7,267,773, T>C on the plus strand (A>G on the coding strand, the complement: INSR is on the minus strand). VCF-style: chr19-7267773-T-C. GRCh37 (hg19) VCF-style: chr19-7267784-T-C.
Other names: c.224A>G, p.Asp75Gly (NM_001079817.3); c.224A>G (NM_000208.3); short protein forms D75G.
Identifiers: ClinVar variation 917413 (VCV000917413.5), dbSNP rs142910337, ClinGen allele CA9136152.

ClinVar aggregate classification (germline): Conflicting classifications of pathogenicity. Review status: criteria provided, conflicting classifications (1 of 4 stars). 3 submissions from 3 submitters: Uncertain significance (1); Likely benign (1). 1 of the submissions does not count toward it. Last evaluated 2024-09-04.

Conditions:
INSR-related disorder.
Monogenic diabetes. Identifiers: Orphanet 183625, MedGen C3888631, MONDO:0015967.

Allele frequency attached by ClinVar (database versions not stated): gnomAD exomes 0.00003 and 0.00010; ExAC 0.00014; 1000 Genomes Project 30x 0.00016; 1000 Genomes Project 0.00020; gnomAD 0.00025 and 0.00029; TOPMed 0.00032; ESP Exome Variant Server 0.00038.

Submissions (3):

Women's Health and Genetics/Laboratory Corporation of America, LabCorp
Classification: Uncertain significance. Last evaluated: 2024-09-04. Review status: criteria provided, single submitter. Criteria: LabCorp Variant Classification Summary - May 2015. Collection method: clinical testing. Allele origin: germline.
Comment: Variant summary: INSR c.224A>G (p.Asp75Gly) results in a non-conservative amino acid change located in the Receptor L-domain (IPR000494) of the encoded protein sequence. Three of five in-silico tools predict a benign effect of the variant on protein function. The variant allele was found at a frequency of 9.9e-05 in 251376 control chromosomes. This frequency is not significantly higher than estimated for a pathogenic variant in INSR causing Hyperinsulinemic Hypoglycemia Familial 5, allowing no conclusion about variant significance. To our knowledge, no occurrence of c.224A>G in individuals affected with Hyperinsulinemic Hypoglycemia Familial 5 and no experimental evidence demonstrating its impact on protein function have been reported. ClinVar contains an entry for this variant (Variation ID: 917413). Based on the evidence outlined above, the variant was classified as uncertain significance.

Personalized Diabetes Medicine Program, University of Maryland School of Medicine
Classification: Likely benign for Monogenic diabetes. Last evaluated: 2018-03-16. Review status: criteria provided, single submitter. Criteria: ACMG Guidelines, 2015. Collection method: research. Allele origin: unknown. Observed: 1 variant allele, 1 heterozygote.
Comment: ACMG criteria: PP3 (2 predictors), BP4 (7 predictors), BP5 (alternate cause)=likely benign

PreventionGenetics, part of Exact Sciences
Classification: Likely benign for INSR-related condition. Last evaluated: 2023-06-21. Review status: no assertion criteria provided. Collection method: clinical testing. Allele origin: germline. Not counted in ClinVar's aggregate classification.
Comment: This variant is classified as likely benign based on ACMG/AMP sequence variant interpretation guidelines (Richards et al. 2015 PMID: 25741868, with internal and published modifications).